The following is an entry in ClinVar:

ClinVar aggregate classification (germline): Likely benign. Review status: criteria provided, multiple submitters, no conflicts (2 of 4 stars). 2 submissions from 2 submitters: Likely benign (2). Last evaluated 2025-08-22.

Allele frequency attached by ClinVar (database versions not stated): 1000 Genomes Project 30x 0.00016; TOPMed 0.00017; 1000 Genomes Project 0.00020; ESP Exome Variant Server 0.00023; gnomAD 0.00028 and 0.00031.

Submissions (2):

Labcorp Genetics (formerly Invitae), Labcorp
Classification: Likely benign. Last evaluated: 2025-08-22. Review status: criteria provided, single submitter. Criteria: Invitae Variant Classification Sherloc (09022015). Collection method: clinical testing. Allele origin: germline.

CeGaT Center for Human Genetics Tuebingen
Classification: Likely benign. Last evaluated: 2024-10-01. Review status: criteria provided, single submitter. Criteria: CeGaT Center For Human Genetics Tuebingen Variant Classification Criteria Version 2. Collection method: clinical testing. Allele origin: germline. Affected: yes. Observed: 2 variant alleles.
Comment: DVL1: BS2

NM_001330311.2(DVL1):c.1706A>G (p.Gln569Arg)

Genes: DVL1 (dishevelled segment polarity protein 1; minus strand), LOC129929114 (ATAC-STARR-seq lymphoblastoid silent region 61; plus strand). Cytogenetic location: 1p36.33.
Variant type: single nucleotide variant.
Coding change: c.1706A>G on transcript NM_001330311.2 (MANE Select); coding-DNA position 1706, A replaced by G.
Protein change: p.Gln569Arg; replaces glutamine 569 with arginine.
Molecular consequence: missense variant.
Genome position (GRCh38, 1-based): chr1:1,337,985, T>C on the plus strand (A>G on the coding strand, the complement: DVL1 is on the minus strand). VCF-style: chr1-1337985-T-C. GRCh37 (hg19) VCF-style: chr1-1273365-T-C.
Other names: c.1631A>G, p.Gln544Arg (NM_004421.3); short protein forms Q544R, Q569R.
Identifiers: ClinVar variation 733125 (VCV000733125.32), dbSNP rs201374747, ClinGen allele CA519957.